The following is an entry in ClinVar:

NM_000136.3(FANCC):c.897-8T>C

Genes: AOPEP (aminopeptidase O (putative); plus strand), FANCC (FA complementation group C; minus strand). Cytogenetic location: 9q22.32.
Variant type: single nucleotide variant.
Coding change: c.897-8T>C on transcript NM_000136.3 (MANE Select); 8 bases into the intron before coding-DNA position 897, T replaced by C.
Molecular consequence: intron variant.
Genome position (GRCh38, 1-based): chr9:95,125,193, A>G on the plus strand (T>C on the coding strand, the complement: FANCC is on the minus strand). VCF-style: chr9-95125193-A-G. GRCh37 (hg19) VCF-style: chr9-97887475-A-G.
Other names: c.897-8T>C (NM_001243743.2, NM_001243744.2).
Identifiers: ClinVar variation 237077 (VCV000237077.29), dbSNP rs878853673, ClinGen allele CA10582668.

ClinVar aggregate classification (germline): Likely benign. Review status: criteria provided, multiple submitters, no conflicts (2 of 4 stars). 5 submissions from 5 submitters: Likely benign (2). 3 of the submissions do not count toward it. Last evaluated 2026-01-22.

Conditions:
FANCC-related disorder. Also called: FANCC-related condition.
Fanconi anemia (FA). Also called: Fanconi's anemia. Identifiers: Orphanet 84, MedGen C0015625, MeSH D005199, MONDO:0019391.
Fanconi anemia complementation group C (FANCC). Also called: FANCC-Related Fanconi Anemia; FANCONI PANCYTOPENIA, TYPE 3; FACC; Fanconi anemia, group C. Identifiers: Orphanet 84, MedGen C3468041, MONDO:0009213, OMIM 227645.

Allele frequency attached by ClinVar (database versions not stated): gnomAD exomes below 0.00001; gnomAD 0.00005; TOPMed 0.00008.
gnomAD v4.1: 12 of 1,608,238 alleles (0.00075%); highest among the groups gnomAD compares: Admixed American, 0.018%; no homozygotes.

Submissions (5):

Labcorp Genetics (formerly Invitae), Labcorp
Classification: Likely benign for Fanconi anemia. Last evaluated: 2026-01-22. Review status: criteria provided, single submitter. Criteria: Invitae Variant Classification Sherloc (09022015). Collection method: clinical testing. Allele origin: germline.

GeneDx
Classification: Likely benign. Last evaluated: 2021-09-19. Review status: criteria provided, single submitter. Criteria: GeneDx Variant Classification Process June 2021. Collection method: clinical testing. Allele origin: germline. Affected: yes.

PreventionGenetics, part of Exact Sciences
Classification: Likely benign for FANCC-related condition. Last evaluated: 2021-10-27. Review status: no assertion criteria provided. Collection method: clinical testing. Allele origin: germline. Not counted in ClinVar's aggregate classification.
Comment: This variant is classified as likely benign based on ACMG/AMP sequence variant interpretation guidelines (Richards et al. 2015 PMID: 25741868, with internal and published modifications).

Natera, Inc.
Classification: Likely benign for Fanconi anemia. Last evaluated: 2020-08-06. Review status: no assertion criteria provided. Collection method: clinical testing. Allele origin: germline. Not counted in ClinVar's aggregate classification.

Counsyl
Classification: Uncertain significance for Fanconi anemia complementation group C. Last evaluated: 2017-02-28. Review status: no assertion criteria provided. Collection method: clinical testing. Allele origin: unknown. Not counted in ClinVar's aggregate classification.